The following is an entry in ClinVar:

NM_001754.5(RUNX1):c.1322T>C (p.Leu441Pro)

Gene: RUNX1 (RUNX family transcription factor 1; minus strand). Cytogenetic location: 21q22.12.
Variant type: single nucleotide variant.
Coding change: c.1322T>C on transcript NM_001754.5 (MANE Select); coding-DNA position 1322, T replaced by C.
Protein change: p.Leu441Pro; replaces leucine 441 with proline.
Molecular consequence: missense variant.
Genome position (GRCh38, 1-based): chr21:34,792,256, A>G on the plus strand (T>C on the coding strand, the complement: RUNX1 is on the minus strand). VCF-style: chr21-34792256-A-G. GRCh37 (hg19) VCF-style: chr21-36164553-A-G.
Other names: NM_001754.5(RUNX1):c.1322T>C; p.Leu441Pro; c.1241T>C, p.Leu414Pro (NM_001001890.3); short protein forms L441P, L414P.
Identifiers: ClinVar variation 837191 (VCV000837191.11), dbSNP rs777551786, ClinGen allele CA10014186.

ClinVar aggregate classification (germline): Uncertain significance. Review status: reviewed by expert panel (3 of 4 stars). 4 submissions from 4 submitters: Uncertain significance (1). 3 of the submissions do not count toward it. Last evaluated 2024-08-12.

Conditions:
Inborn genetic diseases. Identifiers: MedGen C0950123, MeSH D030342.
Hereditary thrombocytopenia and hematological cancer predisposition syndrome associated with RUNX1. Also called: PLATELET DISORDER, ASPIRIN-LIKE; Familial Platelet Disorder with Propensity to Acute Myelogenous Leukemia; Familial thrombocytopenia with propensity to acute myelogenous leukemia; RUNX1 Familial Platelet Disorder with Associated Myeloid Malignancies. Identifiers: Orphanet 71290, MedGen C1832388, MeSH C563324, MONDO:0100083, OMIM 601399.
RUNX1-related disorder. Also called: RUNX1-related condition.
Hereditary thrombocytopenia and hematologic cancer predisposition syndrome. Identifiers: Orphanet 71290, MedGen CN281654, MONDO:0011071.

Allele frequency attached by ClinVar (database versions not stated): ExAC 0.00008.
gnomAD v4.1: 10 of 1,537,454 alleles (0.00065%); highest among the groups gnomAD compares: South Asian, 0.0095%; no homozygotes.

Submissions (4):

ClinGen Myeloid Malignancy Variant Curation Expert Panel
Classification: Uncertain significance for Hereditary thrombocytopenia and hematologic cancer predisposition syndrome. Last evaluated: 2024-08-12. Review status: reviewed by expert panel. Criteria: ClinGen MyeloMalig ACMG Specifications v2. Collection method: curation. Allele origin: germline. Inheritance: Autosomal dominant inheritance.
Comment: NM_001754.5(RUNX1):c.1322T>C (p.Leu441Pro) is a missense variant which does not meet any ACMG/AMP criteria. In summary, the clinical significance of this variant is uncertain. ACMG/AMP criteria applied, as specified by the Myeloid Malignancy Variant Curation Expert Panel for RUNX1: None.

Ambry Genetics
Classification: Uncertain significance for Inborn genetic diseases. Last evaluated: 2025-01-03. Review status: criteria provided, single submitter. Criteria: Ambry Variant Classification Scheme 2023. Collection method: clinical testing. Allele origin: germline. Not counted in ClinVar's aggregate classification.
Comment: The p.L441P variant (also known as c.1322T>C), located in coding exon 8 of the RUNX1 gene, results from a T to C substitution at nucleotide position 1322. The leucine at codon 441 is replaced by proline, an amino acid with similar properties. This amino acid position is conserved. In addition, this alteration is predicted to be deleterious by in silico analysis. Based on the available evidence, the clinical significance of this variant remains unclear.

Labcorp Genetics (formerly Invitae), Labcorp
Classification: Uncertain significance for Hereditary thrombocytopenia and hematological cancer predisposition syndrome associated with RUNX1. Last evaluated: 2024-04-15. Review status: criteria provided, single submitter. Criteria: Invitae Variant Classification Sherloc (09022015). Collection method: clinical testing. Allele origin: germline. Not counted in ClinVar's aggregate classification.
Comment: This sequence change replaces leucine, which is neutral and non-polar, with proline, which is neutral and non-polar, at codon 441 of the RUNX1 protein (p.Leu441Pro). This variant is present in population databases (rs777551786, gnomAD 0.02%). This variant has not been reported in the literature in individuals affected with RUNX1-related conditions. ClinVar contains an entry for this variant (Variation ID: 837191). Advanced modeling of protein sequence and biophysical properties (such as structural, functional, and spatial information, amino acid conservation, physicochemical variation, residue mobility, and thermodynamic stability) performed at Invitae indicates that this missense variant is not expected to disrupt RUNX1 protein function with a negative predictive value of 80%. In summary, the available evidence is currently insufficient to determine the role of this variant in disease. Therefore, it has been classified as a Variant of Uncertain Significance.

PreventionGenetics, part of Exact Sciences
Classification: Uncertain significance for RUNX1-related condition. Last evaluated: 2023-09-13. Review status: criteria provided, single submitter. Criteria: ACMG Guidelines, 2015. Collection method: clinical testing. Allele origin: germline. Not counted in ClinVar's aggregate classification.
Comment: The RUNX1 c.1322T>C variant is predicted to result in the amino acid substitution p.Leu441Pro. To our knowledge, this variant has not been reported in the literature. This variant is reported in 0.018% of alleles in individuals of South Asian descent in gnomAD and is interpreted as uncertain significance in ClinVar. At this time, the clinical significance of this variant is uncertain due to the absence of conclusive functional and genetic evidence.